The following is an entry in ClinVar:

NM_001457.4(FLNB):c.1054G>A (p.Gly352Arg)

Gene: FLNB (filamin B; plus strand). Cytogenetic location: 3p14.3.
Variant type: single nucleotide variant.
Coding change: c.1054G>A on transcript NM_001457.4 (MANE Select); coding-DNA position 1054, G replaced by A.
Protein change: p.Gly352Arg; replaces glycine 352 with arginine.
Molecular consequence: missense variant.
Genome position (GRCh38, 1-based): chr3:58,097,884, G>A. VCF-style: chr3-58097884-G-A. GRCh37 (hg19) VCF-style: chr3-58083611-G-A.
Other names: c.1054G>A, p.Gly352Arg (NM_001164317.2, NM_001164318.2, NM_001164319.2); short protein forms G352R.
Identifiers: ClinVar variation 4700095 (VCV004700095.1).

ClinVar aggregate classification (germline): Uncertain significance (1 of 4 stars; one submission).

gnomAD v4.1: 13 of 1,614,010 alleles (0.00081%); highest among the groups gnomAD compares: Middle Eastern, 0.016%; no homozygotes.

Submission:

Labcorp Genetics (formerly Invitae), Labcorp
Classification: Uncertain significance. Last evaluated: 2025-03-05. Review status: criteria provided, single submitter. Criteria: Invitae Variant Classification Sherloc (09022015). Collection method: clinical testing. Allele origin: germline.
Comment: This sequence change replaces glycine, which is neutral and non-polar, with arginine, which is basic and polar, at codon 352 of the FLNB protein (p.Gly352Arg). This variant is present in population databases (no rsID available, gnomAD 0.003%). This variant has not been reported in the literature in individuals affected with FLNB-related conditions. Invitae Evidence Modeling of protein sequence and biophysical properties (such as structural, functional, and spatial information, amino acid conservation, physicochemical variation, residue mobility, and thermodynamic stability) indicates that this missense variant is not expected to disrupt FLNB protein function with a negative predictive value of 95%. In summary, the available evidence is currently insufficient to determine the role of this variant in disease. Therefore, it has been classified as a Variant of Uncertain Significance.